The following is an entry in ClinVar:

NM_000038.6(APC):c.2055G>A (p.Trp685Ter)

Gene: APC (APC regulator of Wnt signaling pathway; plus strand). Cytogenetic location: 5q22.2.
Variant type: single nucleotide variant.
Coding change: c.2055G>A on transcript NM_000038.6 (MANE Select); coding-DNA position 2055, G replaced by A.
Protein change: p.Trp685Ter; replaces tryptophan 685 with a stop codon.
Molecular consequence: nonsense. On other transcripts: non-coding transcript variant (2).
Genome position (GRCh38, 1-based): chr5:112,837,649, G>A. VCF-style: chr5-112837649-G-A. GRCh37 (hg19) VCF-style: chr5-112173346-G-A.
Other names: c.2055G>A, p.Trp685Ter (NM_001127510.3, NM_001354895.2, NM_001407450.1); c.2001G>A, p.Trp667Ter (NM_001127511.3); c.2109G>A, p.Trp703Ter (NM_001354896.2, NM_001407447.1, NM_001407448.1 and 1 more transcripts); c.2085G>A, p.Trp695Ter (NM_001354897.2); c.1980G>A, p.Trp660Ter (NM_001354898.2); c.1971G>A, p.Trp657Ter (NM_001354899.2); c.1932G>A, p.Trp644Ter (NM_001354900.2); c.1878G>A, p.Trp626Ter (NM_001354901.2, NM_001407453.1); and 11 more; short protein forms W301*, W402*, W525*, W556*, W559*, W584*, W594*, W602*.
Identifiers: ClinVar variation 2583893 (VCV002583893.2), dbSNP rs2149859582, ClinGen allele CA16025814.

ClinVar aggregate classification (germline): Pathogenic/Likely pathogenic. Review status: criteria provided, multiple submitters, no conflicts (2 of 4 stars). 2 submissions from 2 submitters: Pathogenic (1); Likely pathogenic (1). Last evaluated 2025-02-11.

Conditions:
Familial adenomatous polyposis 1 (FAP1). Also called: FAMILIAL ADENOMATOUS POLYPOSIS 1, ATTENUATED; POLYPOSIS, ADENOMATOUS INTESTINAL. Identifiers: MedGen C2713442, MONDO:0021056, OMIM 175100. Disease mechanism: loss of function.

Submissions (2):

Institute for Genomic Medicine (IGM) Clinical Laboratory, Nationwide Children's Hospital
Classification: Likely pathogenic for Familial adenomatous polyposis 1. Last evaluated: 2025-02-11. Review status: criteria provided, single submitter. Criteria: ACMG Guidelines, 2015. Collection method: clinical testing. Allele origin: germline.
Comment: This variant is predicted to result in loss of function through nonsense-mediated decay of the encoded transcript or premature truncation of the encoded protein in a gene in which loss of function is a known mechanism of disease (ACMG/AMP: PVS1). This variant is absent from or present at an exceedingly low frequency in gnomAD, a large-scale control population database (ACMG/AMP: PM2).

Myriad Genetics, Inc.
Classification: Pathogenic for Familial adenomatous polyposis 1. Last evaluated: 2023-05-03. Review status: criteria provided, single submitter. Criteria: Myriad Autosomal Dominant, Autosomal Recessive and X-Linked Classification Criteria (2023). Collection method: clinical testing. Allele origin: unknown.
Comment: This variant is considered pathogenic. This variant creates a termination codon and is predicted to result in premature protein truncation.